The following is an entry in ClinVar:

NM_003737.4(DCHS1):c.703C>T (p.Arg235Trp)

Gene: DCHS1 (dachsous cadherin-related 1; minus strand). Cytogenetic location: 11p15.4.
Variant type: single nucleotide variant.
Coding change: c.703C>T on transcript NM_003737.4 (MANE Select); coding-DNA position 703, C replaced by T.
Protein change: p.Arg235Trp; replaces arginine 235 with tryptophan.
Molecular consequence: missense variant.
Genome position (GRCh38, 1-based): chr11:6,640,911, G>A on the plus strand (C>T on the coding strand, the complement: DCHS1 is on the minus strand). VCF-style: chr11-6640911-G-A. GRCh37 (hg19) VCF-style: chr11-6662142-G-A.
Other names: c.703C>T (NM_003737.3); short protein forms R235W.
Identifiers: ClinVar variation 2899811 (VCV002899811.4), dbSNP rs188153920, ClinGen allele CA5861104.
Genomic context (GRCh38, chr11:6,640,911, plus strand): 5'-AAGCCGGGGCATGGTCATTGATGTCCAGCAGTGTCACGTCCAGCAGGGCCTGGGCCCTCC[G>A]GGGGGGTGAACCACCATCATAGGCCTCCAGCTGTAGCATATAGTGTGAGCGGTTCTCTCG-3'
Protein context (NP_003728.1, residues 225-245): LEAYDGGSPP[Arg235Trp]RAQALLDVTL

ClinVar aggregate classification (germline): Uncertain significance. Review status: criteria provided, multiple submitters, no conflicts (2 of 4 stars). 2 submissions from 2 submitters: Uncertain significance (2). Last evaluated 2025-06-01.

Allele frequency attached by ClinVar (database versions not stated): 1000 Genomes Project 30x 0.00016.
gnomAD v4.1: 82 of 1,613,718 alleles (0.0051%); highest among the groups gnomAD compares: Middle Eastern, 0.049%; 1 homozygote.

Submissions (2):

Labcorp Genetics (formerly Invitae), Labcorp
Classification: Uncertain significance. Last evaluated: 2025-06-01. Review status: criteria provided, single submitter. Criteria: Invitae Variant Classification Sherloc (09022015). Collection method: clinical testing. Allele origin: germline.
Comment: This sequence change replaces arginine, which is basic and polar, with tryptophan, which is neutral and slightly polar, at codon 235 of the DCHS1 protein (p.Arg235Trp). This variant is present in population databases (rs188153920, gnomAD 0.02%), including at least one homozygous and/or hemizygous individual. This variant has not been reported in the literature in individuals affected with DCHS1-related conditions. ClinVar contains an entry for this variant (Variation ID: 2899811). An algorithm developed to predict the effect of missense changes on protein structure and function (PolyPhen-2) suggests that this variant is likely to be disruptive. In summary, the available evidence is currently insufficient to determine the role of this variant in disease. Therefore, it has been classified as a Variant of Uncertain Significance.

GeneDx
Classification: Uncertain significance. Last evaluated: 2024-07-16. Review status: criteria provided, single submitter. Criteria: GeneDx Variant Classification Process June 2021. Collection method: clinical testing. Allele origin: germline. Affected: yes.
Comment: In silico analysis supports that this missense variant has a deleterious effect on protein structure/function; Has not been previously published as pathogenic or benign to our knowledge